The following is an entry in ClinVar:

NM_033026.6(PCLO):c.6614G>A (p.Ser2205Asn)

Gene: PCLO (piccolo presynaptic cytomatrix protein; minus strand). Cytogenetic location: 7q21.11.
Variant type: single nucleotide variant.
Coding change: c.6614G>A on transcript NM_033026.6 (MANE Select); coding-DNA position 6614, G replaced by A.
Protein change: p.Ser2205Asn; replaces serine 2205 with asparagine.
Molecular consequence: missense variant.
Genome position (GRCh38, 1-based): chr7:82,954,339, C>T on the plus strand (G>A on the coding strand, the complement: PCLO is on the minus strand). VCF-style: chr7-82954339-C-T. GRCh37 (hg19) VCF-style: chr7-82583655-C-T.
Other names: c.6614G>A, p.Ser2205Asn (NM_014510.3); short protein forms S2205N.
Identifiers: ClinVar variation 2097134 (VCV002097134.4), dbSNP rs1035966951, ClinGen allele CA161147306.

ClinVar aggregate classification (germline): Uncertain significance (1 of 4 stars; one submission).

Allele frequency attached by ClinVar (database versions not stated): TOPMed below 0.00001.

Submission:

Labcorp Genetics (formerly Invitae), Labcorp
Classification: Uncertain significance. Last evaluated: 2022-02-15. Review status: criteria provided, single submitter. Criteria: Invitae Variant Classification Sherloc (09022015). Collection method: clinical testing. Allele origin: germline.
Comment: This variant is not present in population databases (gnomAD no frequency). In summary, the available evidence is currently insufficient to determine the role of this variant in disease. Therefore, it has been classified as a Variant of Uncertain Significance. Algorithms developed to predict the effect of missense changes on protein structure and function are either unavailable or do not agree on the potential impact of this missense change (SIFT: "Tolerated"; PolyPhen-2: "Not Available"; Align-GVGD: "Class C0"). This variant has not been reported in the literature in individuals affected with PCLO-related conditions. This sequence change replaces serine, which is neutral and polar, with asparagine, which is neutral and polar, at codon 2205 of the PCLO protein (p.Ser2205Asn).